The following is an entry in ClinVar:

ClinVar aggregate classification (germline): Uncertain significance. Review status: criteria provided, multiple submitters, no conflicts (2 of 4 stars). 2 submissions from 2 submitters: Uncertain significance (2). Last evaluated 2025-10-01.

Conditions:
Naxos disease (NXD). Also called: CARDIOMYOPATHY, ARRHYTHMOGENIC RIGHT VENTRICULAR, WITH SKIN, HAIR, AND NAIL ABNORMALITIES; WOOLLY HAIR, PALMOPLANTAR KERATODERMA, AND CARDIAC ABNORMALITIES; KERATOSIS PALMOPLANTARIS WITH ARRHYTHMOGENIC CARDIOMYOPATHY; MAL DE NAXOS; PALMOPLANTAR KERATODERMA WITH ARRHYTHMOGENIC RIGHT VENTRICULAR CARDIOMYOPATHY AND WOOLLY HAIR. Identifiers: Orphanet 34217, MedGen C1832600, MONDO:0011017, OMIM 601214.
Arrhythmogenic right ventricular dysplasia 12. Also called: ARRHYTHMOGENIC RIGHT VENTRICULAR DYSPLASIA, FAMILIAL, 12. Identifiers: MedGen C1969081, MONDO:0012684, OMIM 611528.
Cardiovascular phenotype. Identifiers: MedGen CN230736.

Allele frequency attached by ClinVar (database versions not stated): TOPMed 0.00001.
gnomAD v4.1: 6 of 1,614,054 alleles (0.00037%); highest among the groups gnomAD compares: East Asian, 0.0022%; no homozygotes.

Submissions (2):

Ambry Genetics
Classification: Uncertain significance for Cardiovascular phenotype. Last evaluated: 2025-10-01. Review status: criteria provided, single submitter. Criteria: Ambry Variant Classification Scheme 2023. Collection method: clinical testing. Allele origin: germline.
Comment: The p.A571T variant (also known as c.1711G>A), located in coding exon 9 of the JUP gene, results from a G to A substitution at nucleotide position 1711. The alanine at codon 571 is replaced by threonine, an amino acid with similar properties. This amino acid position is highly conserved in available vertebrate species. In addition, the in silico prediction for this alteration is inconclusive. Since supporting evidence is limited at this time, the clinical significance of this alteration remains unclear.

Labcorp Genetics (formerly Invitae), Labcorp
Classification: Uncertain significance for Arrhythmogenic right ventricular dysplasia 12; Naxos disease. Last evaluated: 2024-03-20. Review status: criteria provided, single submitter. Criteria: Invitae Variant Classification Sherloc (09022015). Collection method: clinical testing. Allele origin: germline.
Comment: This sequence change replaces alanine, which is neutral and non-polar, with threonine, which is neutral and polar, at codon 571 of the JUP protein (p.Ala571Thr). This variant is present in population databases (no rsID available, gnomAD 0.006%). This variant has not been reported in the literature in individuals affected with JUP-related conditions. ClinVar contains an entry for this variant (Variation ID: 964094). An algorithm developed to predict the effect of missense changes on protein structure and function (PolyPhen-2) suggests that this variant is likely to be disruptive. In summary, the available evidence is currently insufficient to determine the role of this variant in disease. Therefore, it has been classified as a Variant of Uncertain Significance.

NM_002230.4(JUP):c.1711G>A (p.Ala571Thr)

Gene: JUP (junction plakoglobin; minus strand). Cytogenetic location: 17q21.2.
Variant type: single nucleotide variant.
Coding change: c.1711G>A on transcript NM_002230.4 (MANE Select); coding-DNA position 1711, G replaced by A.
Protein change: p.Ala571Thr; replaces alanine 571 with threonine.
Molecular consequence: missense variant.
Genome position (GRCh38, 1-based): chr17:41,758,461, C>T on the plus strand (G>A on the coding strand, the complement: JUP is on the minus strand). VCF-style: chr17-41758461-C-T. GRCh37 (hg19) VCF-style: chr17-39914713-C-T.
Other names: c.1711G>A, p.Ala571Thr (NM_001352773.2, NM_001352774.2, NM_001352775.2 and 3 more transcripts); short protein forms A571T.
Identifiers: ClinVar variation 964094 (VCV000964094.9), dbSNP rs397517297, ClinGen allele CA399493004.